The following is an entry in ClinVar:

NM_024577.4(SH3TC2):c.1589T>C (p.Leu530Pro)

Gene: SH3TC2 (SH3 domain and tetratricopeptide repeats 2; minus strand). Cytogenetic location: 5q32.
Variant type: single nucleotide variant.
Coding change: c.1589T>C on transcript NM_024577.4 (MANE Select); coding-DNA position 1589, T replaced by C.
Protein change: p.Leu530Pro; replaces leucine 530 with proline.
Molecular consequence: missense variant.
Genome position (GRCh38, 1-based): chr5:149,028,143, A>G on the plus strand (T>C on the coding strand, the complement: SH3TC2 is on the minus strand). VCF-style: chr5-149028143-A-G. GRCh37 (hg19) VCF-style: chr5-148407706-A-G.
Other names: short protein forms L530P.
Identifiers: ClinVar variation 2795319 (VCV002795319.3), dbSNP rs2531773625, ClinGen allele CA361668191.
Genomic context (GRCh38, chr5:149,028,143, plus strand): 5'-TACACCCTGGCCTGAGAGAGTTTGACCTTCCTGATGCTCAGCCGGCCCAGGAGGAAGCAG[A>G]GACGGGCATGGGCCCAGGTCATGTGGCTCTTCTTGGCCCACTTTCTTGATGCCTCCAGGT-3'
Protein context (NP_078853.2, residues 520-540): KSHMTWAHAR[Leu530Pro]CFLLGRLSIR

ClinVar aggregate classification (germline): Uncertain significance (1 of 4 stars; one submission).

Conditions:
Charcot-Marie-Tooth disease type 4. Also called: Charcot-Marie-Tooth, Type 4; Charcot-Marie-Tooth disease, type IV. Identifiers: Orphanet 64749, MedGen C4082197, MONDO:0018995.

Submission:

Labcorp Genetics (formerly Invitae), Labcorp
Classification: Uncertain significance for Charcot-Marie-Tooth disease type 4. Last evaluated: 2024-04-01. Review status: criteria provided, single submitter. Criteria: Invitae Variant Classification Sherloc (09022015). Collection method: clinical testing. Allele origin: germline.
Comment: This sequence change replaces leucine, which is neutral and non-polar, with proline, which is neutral and non-polar, at codon 530 of the SH3TC2 protein (p.Leu530Pro). This variant is not present in population databases (gnomAD no frequency). This missense change has been observed in individual(s) with clinical features of SH3TC2-related conditions (Invitae). In at least one individual the data is consistent with being in trans (on the opposite chromosome) from a pathogenic variant. Advanced modeling of protein sequence and biophysical properties (such as structural, functional, and spatial information, amino acid conservation, physicochemical variation, residue mobility, and thermodynamic stability) performed at Invitae indicates that this missense variant is not expected to disrupt SH3TC2 protein function with a negative predictive value of 95%. In summary, the available evidence is currently insufficient to determine the role of this variant in disease. Therefore, it has been classified as a Variant of Uncertain Significance.